The following is an entry in ClinVar:

NM_000293.3(PHKB):c.2880del (p.Lys961fs)

Gene: PHKB (phosphorylase kinase regulatory subunit beta; plus strand). Cytogenetic location: 16q12.1.
Variant type: Deletion.
Coding change: c.2880del on transcript NM_000293.3 (MANE Select); coding-DNA position 2880, one base deleted (G; older notation c.2880delG).
Protein change: p.Lys961fs; shifts the reading frame from lysine 961.
Molecular consequence: frameshift variant.
Genome position (GRCh38, 1-based): chr16:47,693,492, G deleted; the last of 3 consecutive G bases (chr16:47,693,490-47,693,492); deleting any one gives the same sequence. VCF-style (leftmost placement, unchanged base first): chr16-47693489-TG-T. GRCh37 (hg19) VCF-style: chr16-47727400-TG-T.
Other names: c.2859del, p.Lys954fs (NM_001031835.3); c.2880del, p.Lys961fs (NM_001363837.1); short protein forms K954fs, K961fs.
Identifiers: ClinVar variation 4715615 (VCV004715615.1).

ClinVar aggregate classification (germline): Pathogenic (1 of 4 stars; one submission).

Conditions:
Glycogen storage disease IXb (GSD9B). Also called: PHOSPHORYLASE KINASE DEFICIENCY OF LIVER AND MUSCLE, AUTOSOMAL RECESSIVE; GLYCOGENOSIS OF LIVER AND MUSCLE, AUTOSOMAL RECESSIVE; GSD IXb. Identifiers: Orphanet 79240, MedGen C0543514, MONDO:0009868, OMIM 261750.

Submission:

Labcorp Genetics (formerly Invitae), Labcorp
Classification: Pathogenic for Glycogen storage disease IXb. Last evaluated: 2025-03-26. Review status: criteria provided, single submitter. Criteria: Invitae Variant Classification Sherloc (09022015). Collection method: clinical testing. Allele origin: germline.
Comment: This sequence change creates a premature translational stop signal (p.Lys961Serfs*12) in the PHKB gene. It is expected to result in an absent or disrupted protein product. Loss-of-function variants in PHKB are known to be pathogenic (PMID: 9215682, 9326319). This variant is not present in population databases (gnomAD no frequency). This variant has not been reported in the literature in individuals affected with PHKB-related conditions. For these reasons, this variant has been classified as Pathogenic.

Literature cited by the submitters: PubMed 9215682; PubMed 9326319.